The following is an entry in ClinVar:

NM_003849.3(SUCLG1):c.-217T>C

Gene: SUCLG1 (succinate-CoA ligase GDP/ADP-forming subunit alpha; minus strand). Cytogenetic location: 2p11.2.
Variant type: single nucleotide variant.
Coding change: c.-217T>C on transcript NM_003849.3; 217 bases upstream of the start codon, T replaced by C.
Genome position (GRCh38, 1-based): chr2:84,459,486, A>G on the plus strand (T>C on the coding strand, the complement: SUCLG1 is on the minus strand). VCF-style: chr2-84459486-A-G. GRCh37 (hg19) VCF-style: chr2-84686610-A-G.
Identifiers: ClinVar variation 379266 (VCV000379266.4), dbSNP rs72830154, ClinGen allele CA11074229.

ClinVar aggregate classification (germline): Benign. Review status: criteria provided, multiple submitters, no conflicts (2 of 4 stars). 2 submissions from 2 submitters: Benign (2). Last evaluated 2015-07-15.

Allele frequency attached by ClinVar (database versions not stated): 1000 Genomes Project 30x 0.06839; gnomAD 0.06935 and 0.06501; gnomAD exomes 0.09368; TOPMed 0.06081; 1000 Genomes Project 0.07149.

Submissions (2):

GeneDx
Classification: Benign. Last evaluated: 2015-07-15. Review status: criteria provided, single submitter. Criteria: GeneDx Variant Classification (06012015). Collection method: clinical testing. Allele origin: germline. Affected: yes.
Comment: This variant is considered likely benign or benign based on one or more of the following criteria: it is a conservative change, it occurs at a poorly conserved position in the protein, it is predicted to be benign by multiple in silico algorithms, and/or has population frequency not consistent with disease.

Breakthrough Genomics
Classification: Benign. Review status: criteria provided, single submitter. Criteria: ACMG Guidelines, 2015. Collection method: not provided. Allele origin: germline. Inheritance: Autosomal recessive inheritance. Affected: yes.